The following is an entry in ClinVar:

ClinVar aggregate classification (germline): Conflicting classifications of pathogenicity. Review status: criteria provided, conflicting classifications (1 of 4 stars). 9 submissions from 5 submitters: Uncertain significance (5); Benign (1); Likely benign (2). 1 of the submissions does not count toward it. Last evaluated 2018-07-18.

Conditions:
TTN-related disorder. Also called: TTN-related disorders; TTN-related condition; TTN-related disease.
Myopathy, myofibrillar, 9, with early respiratory failure (MFM9). Also called: MYOPATHY, PROXIMAL, WITH EARLY RESPIRATORY MUSCLE INVOLVEMENT; Myopathy, distal, with early respiratory failure, autosomal dominant; Hereditary myopathy with early respiratory failure; EDSTROM MYOPATHY. Identifiers: Orphanet 178464, Orphanet 34521, MedGen C1863599, MONDO:0011362, OMIM 603689.
Early-onset myopathy with fatal cardiomyopathy (CMYO5). Also called: CONGENITAL MYOPATHY 5 WITH CARDIOMYOPATHY; Salih Myopathy. Identifiers: Orphanet 289377, MedGen C2673677, MONDO:0012714, OMIM 611705. Disease mechanism: loss of function.
Autosomal recessive limb-girdle muscular dystrophy type 2J (LGMDR10). Also called: Limb-girdle muscular dystrophy, type 2J; MUSCULAR DYSTROPHY, LIMB-GIRDLE, AUTOSOMAL RECESSIVE 10. Identifiers: Orphanet 140922, MedGen C1837342, MONDO:0012127, OMIM 608807.
Tibial muscular dystrophy (TMD). Also called: Tibial muscular dystrophy, tardive; UDD MYOPATHY; Udd Distal Myopathy – Tibial Muscular Dystrophy. Identifiers: Orphanet 609, MedGen C1838244, MONDO:0010870, OMIM 600334.
Dilated cardiomyopathy 1G (CMD1G). Identifiers: Orphanet 154, MedGen C1858763, MONDO:0011400, OMIM 604145.

Allele frequency attached by ClinVar (database versions not stated): gnomAD 0.00005; gnomAD exomes 0.00005 and 0.00007; TOPMed 0.00006; ExAC 0.00008; ESP Exome Variant Server 0.00008.
gnomAD v4.1: 76 of 1,599,134 alleles (0.0048%); highest among the groups gnomAD compares: Middle Eastern, 0.033%; no homozygotes.

Submissions (9):

GeneDx
Classification: Likely benign. Last evaluated: 2018-07-18. Review status: criteria provided, single submitter. Criteria: GeneDx Variant Classification Process June 2021. Collection method: clinical testing. Allele origin: germline. Affected: yes.

Illumina Laboratory Services, Illumina
Classification: Uncertain significance for Dilated cardiomyopathy 1G. Last evaluated: 2018-01-13. Review status: criteria provided, single submitter. Criteria: ICSL Variant Classification Criteria 13 December 2019. Collection method: clinical testing. Allele origin: germline.

Illumina Laboratory Services, Illumina
Classification: Uncertain significance for Early-onset myopathy with fatal cardiomyopathy. Last evaluated: 2018-01-13. Review status: criteria provided, single submitter. Criteria: ICSL Variant Classification Criteria 13 December 2019. Collection method: clinical testing. Allele origin: germline.

Illumina Laboratory Services, Illumina
Classification: Likely benign for Myopathy, myofibrillar, 9, with early respiratory failure. Last evaluated: 2018-01-13. Review status: criteria provided, single submitter. Criteria: ICSL Variant Classification Criteria 13 December 2019. Collection method: clinical testing. Allele origin: germline.
Comment: This variant was observed in the ICSL laboratory as part of a predisposition screen in an ostensibly healthy population. It had not been previously curated by ICSL or reported in the Human Gene Mutation Database (HGMD: prior to June 1st, 2018), and was therefore a candidate for classification through an automated scoring system. Utilizing variant allele frequency, disease prevalence and penetrance estimates, and inheritance mode, an automated score was calculated to assess if this variant is too frequent to cause the disease. Based on the score and internal cut-off values, a variant classified as likely benign is not then subjected to further curation. The score for this variant resulted in a classification of likely benign for this disease.

Illumina Laboratory Services, Illumina
Classification: Benign for Tibial muscular dystrophy. Last evaluated: 2018-01-13. Review status: criteria provided, single submitter. Criteria: ICSL Variant Classification Criteria 13 December 2019. Collection method: clinical testing. Allele origin: germline.
Comment: This variant was observed in the ICSL laboratory as part of a predisposition screen in an ostensibly healthy population. It had not been previously curated by ICSL or reported in the Human Gene Mutation Database (HGMD: prior to June 1st, 2018), and was therefore a candidate for classification through an automated scoring system. Utilizing variant allele frequency, disease prevalence and penetrance estimates, and inheritance mode, an automated score was calculated to assess if this variant is too frequent to cause the disease. Based on the score and internal cut-off values, a variant classified as benign is not then subjected to further curation. The score for this variant resulted in a classification of benign for this disease.

Illumina Laboratory Services, Illumina
Classification: Uncertain significance for Autosomal recessive limb-girdle muscular dystrophy type 2J. Last evaluated: 2018-01-13. Review status: criteria provided, single submitter. Criteria: ICSL Variant Classification Criteria 13 December 2019. Collection method: clinical testing. Allele origin: germline.

Eurofins Ntd Llc (ga)
Classification: Uncertain significance. Last evaluated: 2017-08-23. Review status: criteria provided, single submitter. Criteria: EGL Classification Definitions 2015. Collection method: clinical testing. Allele origin: germline. Observed: 2 variant alleles, 2 heterozygotes.

Laboratory for Molecular Medicine, Mass General Brigham Personalized Medicine
Classification: Uncertain significance. Last evaluated: 2013-03-06. Review status: criteria provided, single submitter. Criteria: LMM Criteria. Collection method: clinical testing. Allele origin: germline. Observed: 2 variant alleles.
Comment: The 46677+6C>G variant in TTN has not been reported in the literature, but has b een identified by our laboratory in 2 children with DCM (LMM unpublished data). This variant has been identified in 1/8176 European American chromosomes from a broad population by the NHLBI Exome Sequencing Project (.edu/EVS). This variant is located in the 5' splice region. Computational tools do not suggest an impact to splicing, though this information is not predictive enough to rule out pathogenicity. Additional information is needed to fully asse ss the clinical significance of this variant.

PreventionGenetics, part of Exact Sciences
Classification: Likely benign for TTN-related condition. Last evaluated: 2024-03-26. Review status: no assertion criteria provided. Collection method: clinical testing. Allele origin: germline. Not counted in ClinVar's aggregate classification.
Comment: This variant is classified as likely benign based on ACMG/AMP sequence variant interpretation guidelines (Richards et al. 2015 PMID: 25741868, with internal and published modifications).

NM_001267550.2(TTN):c.54381+6C>G

Genes: TTN (titin; minus strand), TTN-AS1 (TTN antisense RNA 1; plus strand). Cytogenetic location: 2q31.2.
Variant type: single nucleotide variant.
Coding change: c.54381+6C>G on transcript NM_001267550.2 (MANE Select); 6 bases into the intron after coding-DNA position 54381, C replaced by G.
Molecular consequence: intron variant.
Genome position (GRCh38, 1-based): chr2:178,604,702, G>C on the plus strand (C>G on the coding strand, the complement: TTN is on the minus strand). VCF-style: chr2-178604702-G-C. GRCh37 (hg19) VCF-style: chr2-179469429-G-C.
Other names: c.27186+6C>G (NM_003319.4); c.27762+6C>G (NM_133437.4); c.27561+6C>G (NM_133432.3); c.46677+6C>G (NM_133378.4); c.49458+6C>G (NM_001256850.1).
Identifiers: ClinVar variation 47090 (VCV000047090.17), dbSNP rs368265962, ClinGen allele CA139979.
Genomic context (GRCh38, chr2:178,604,702, plus strand): 5'-TAAAATGGCATCAAACCAGAGTCATGTACTTTTAATGTGTATAAGAAAATATTCAGAAGA[G>C]TTTACCCCATATCTTTTCTCTACAGCAGTGTTGGTGACTTCCTCCCATTCTGCTTTCTTC-3'